The following is an entry in ClinVar:

NM_001330588.2(TPP2):c.2992-170A>G

Gene: TPP2 (tripeptidyl peptidase 2; plus strand). Cytogenetic location: 13q33.1.
Variant type: single nucleotide variant.
Coding change: c.2992-170A>G on transcript NM_001330588.2 (MANE Select); 170 bases into the intron before coding-DNA position 2992, A replaced by G.
Molecular consequence: intron variant.
Genome position (GRCh38, 1-based): chr13:102,656,886, A>G. VCF-style: chr13-102656886-A-G. GRCh37 (hg19) VCF-style: chr13-103309236-A-G.
Other names: c.2953-170A>G (NM_001367947.1, NM_003291.4).
Identifiers: ClinVar variation 2628194 (VCV002628194.2), dbSNP rs658455, ClinGen allele CA15775539.

ClinVar aggregate classification (germline): Benign (1 of 4 stars; one submission).

Allele frequency attached by ClinVar (database versions not stated): gnomAD exomes 0.46958; 1000 Genomes Project 0.47364; 1000 Genomes Project 30x 0.47470; gnomAD 0.49682; TOPMed 0.49726.
gnomAD v4.1: 240,872 of 504,328 alleles (48%); highest among the groups gnomAD compares: African/African-American, 60%; 58,476 homozygotes.

Submission:

Unidad de Genómica Garrahan, Hospital de Pediatría Garrahan
Classification: Benign. Last evaluated: 2023-11-12. Review status: criteria provided, single submitter. Criteria: ACMG Guidelines, 2015. Collection method: clinical testing. Allele origin: germline. Affected: no. Observed: 43 variant alleles.
Comment: This variant is classified as Benign based on local population frequency. This variant was detected in 45% of patients studied by a panel of primary immunodeficiencies. Number of patients: 43. Only high quality variants are reported.